The following is an entry in ClinVar:

ClinVar aggregate classification (germline): Pathogenic/Likely pathogenic. Review status: criteria provided, multiple submitters, no conflicts (2 of 4 stars). 13 submissions from 13 submitters: Pathogenic (9); Likely pathogenic (3). 1 of the submissions does not count toward it. Last evaluated 2026-08-01.

Conditions:
Familial adenomatous polyposis 2. Also called: Adenomas, multiple colorectal; MUTYH Polyposis; COLORECTAL ADENOMATOUS POLYPOSIS, AUTOSOMAL RECESSIVE; ADENOMAS, MULTIPLE COLORECTAL, AUTOSOMAL RECESSIVE; MYH-associated polyposis; FAP type 2. Identifiers: Orphanet 220460, Orphanet 247798, MedGen C3272841, MONDO:0012041, OMIM 608456.
Gastric cancer. Also called: Malignant tumor of stomach; Stomach cancer. Identifiers: MedGen C0024623, MeSH D013274, MONDO:0001056, OMIM 613659, HP:0012126.
Hereditary cancer-predisposing syndrome. Also called: Hereditary neoplastic syndrome; Hereditary Cancer Syndrome; Neoplastic Syndromes, Hereditary; Tumor predisposition. Identifiers: Orphanet 140162, MedGen C0027672, MeSH D009386, MONDO:0015356.

Allele frequency attached by ClinVar (database versions not stated): gnomAD exomes below 0.00001; TOPMed 0.00001.

Submissions (13):

CeGaT Center for Human Genetics Tuebingen
Classification: Likely pathogenic. Last evaluated: 2026-08-01. Review status: criteria provided, single submitter. Criteria: CeGaT Center For Human Genetics Tuebingen Variant Classification Criteria Version 2. Collection method: clinical testing. Allele origin: germline. Affected: yes. Observed: 2 variant alleles.
Comment: MUTYH: PM2, PM3, PM4, PS3:Supporting

Labcorp Genetics (formerly Invitae), Labcorp
Classification: Pathogenic for Familial adenomatous polyposis 2. Last evaluated: 2025-10-19. Review status: criteria provided, single submitter. Criteria: Invitae Variant Classification Sherloc (09022015). Collection method: clinical testing. Allele origin: germline.
Comment: This variant, c.453_458dup, results in the insertion of 2 amino acid(s) of the MUTYH protein (p.Trp152_Met153insIleTrp), but otherwise preserves the integrity of the reading frame. This variant is present in population databases (no rsID available, gnomAD 0.0009%). This variant has been observed in individuals with MUTYH-associated polyposis (PMID: 12606733, 16557584, 26446593). This variant is also known as 137insIW, p.137insIleTrp, c.411_416dupATGGAT and 411dupATGGAT. ClinVar contains an entry for this variant (Variation ID: 233094). Algorithms developed to predict the effect of variants on gene product structure and function are not available or were not evaluated for this variant. Experimental studies have shown that this variant affects MUTYH function (PMID: 19953527, 20418187). For these reasons, this variant has been classified as Pathogenic.

Center for Genomic Medicine, Rigshospitalet, Copenhagen University Hospital
Classification: Pathogenic. Last evaluated: 2025-03-04. Review status: criteria provided, single submitter. Criteria: ACMG Guidelines, 2015. Collection method: clinical testing. Allele origin: germline.

All of Us Research Program, National Institutes of Health
Classification: Pathogenic for Familial adenomatous polyposis 2. Last evaluated: 2024-09-27. Review status: criteria provided, single submitter. Criteria: ACMG Guidelines, 2015. Collection method: clinical testing. Allele origin: germline. Inheritance: Autosomal recessive inheritance. Observed: 3 variant alleles, 3 heterozygotes.
Comment: This variant causes a duplication of 6 nucleotides in exon 5 of the MUTYH gene, resulting in in-frame insertion of isoleucine and tryptophan between codons 152 and 153 in the MUTYH protein. This variant is also known as 137insIW, p.137insIleTrp, p.W138_M139insIW, c.411_416dupATGGAT and 411dupATGGAT. Functional studies have shown that this in-frame insertion results in reduced substrate binding and impaired glycosylase activity (PMID: 19953527, 20418187). This variant has been reported in homozygosity or in compound heterozygosity in multiple individuals affected with MUTYH-associated polyposis (PMID: 12606733, 16287072, 16557584, 26446593). This variant has been identified in 1/251484 chromosomes in the general population by the Genome Aggregation Database (gnomAD). Based on the available evidence, this variant is classified as Pathogenic.

This study involves interpretation of variants in research participants for the purpose of population health screening. Participant phenotype was not available at the time of variant classification. Additional details can be found in publication PMID: 35346344, PMCID: PMC8962531

Department of Human Genetics, Hannover Medical School
Classification: Pathogenic for Familial adenomatous polyposis 2. Last evaluated: 2024-08-09. Review status: criteria provided, single submitter. Criteria: ACMG Guidelines, 2015. Collection method: clinical testing. Allele origin: germline. Inheritance: Autosomal recessive inheritance. Affected: yes.

Color Diagnostics, LLC DBA Color Health
Classification: Pathogenic for Hereditary cancer-predisposing syndrome. Last evaluated: 2024-07-17. Review status: criteria provided, single submitter. Criteria: ACMG Guidelines, 2015. Collection method: clinical testing. Allele origin: germline.
Comment: This variant causes a duplication of 6 nucleotides in exon 5 of the MUTYH gene, resulting in in-frame insertion of isoleucine and tryptophan between codons 152 and 153 in the MUTYH protein. This variant is also known as 137insIW, p.137insIleTrp, p.W138_M139insIW, c.411_416dupATGGAT and 411dupATGGAT. Functional studies have shown that this in-frame insertion results in reduced substrate binding and impaired glycosylase activity (PMID: 19953527, 20418187). This variant has been reported in homozygosity or in compound heterozygosity in multiple individuals affected with MUTYH-associated polyposis (PMID: 12606733, 16287072, 16557584, 26446593). This variant has been identified in 1/251484 chromosomes in the general population by the Genome Aggregation Database (gnomAD). Based on the available evidence, this variant is classified as Pathogenic.

Fulgent Genetics
Classification: Pathogenic for Familial adenomatous polyposis 2; Gastric cancer. Last evaluated: 2024-05-14. Review status: criteria provided, single submitter. Criteria: ACMG Guidelines, 2015. Collection method: clinical testing. Allele origin: germline.

GeneDx
Classification: Likely pathogenic. Last evaluated: 2023-08-08. Review status: criteria provided, single submitter. Criteria: GeneDx Variant Classification Process June 2021. Collection method: clinical testing. Allele origin: germline. Affected: yes.
Comment: In-frame insertion of two amino acids in a non-repeat region; Published functional studies demonstrate weaker localization to the nucleus, reduced DNA glycosylase activity, and higher levels of DNA 8-oxodG accumulation compared to wild type (D'Agostino et al., 2010; Molatore et al., 2010); Not observed at significant frequency in large population cohorts (gnomAD); Also known as c.411_416dupATGGAT or 137insIW; This variant is associated with the following publications: (PMID: 19953527, 16287072, 14633673, 12606733, 17161978, 16557584, 26446593, 19725997, 20418187)

Revvity Omics, Revvity
Classification: Pathogenic for Familial adenomatous polyposis 2. Last evaluated: 2023-06-13. Review status: criteria provided, single submitter. Criteria: ACMG Guidelines, 2015. Collection method: clinical testing. Allele origin: germline.

Human Genetics Bochum, Ruhr University Bochum
Classification: Likely pathogenic for Familial adenomatous polyposis 2. Last evaluated: 2023-02-02. Review status: criteria provided, single submitter. Criteria: ACMG Guidelines, 2015. Collection method: clinical testing. Allele origin: germline. Affected: yes.
Comment: ACMG criteria used to clasify this variant: PS3_MOD, PS4_MOD, PM4, PM2_SUP

Ambry Genetics
Classification: Pathogenic for Hereditary cancer-predisposing syndrome. Last evaluated: 2022-12-22. Review status: criteria provided, single submitter. Criteria: Ambry Variant Classification Scheme 2023. Collection method: clinical testing. Allele origin: germline.
Comment: The c.453_458dupATGGAT variant (also known as p.W152_M153insIW), located in coding exon 5 of the MUTYH gene, results from an in-frame duplication of 6 nucleotides at positions 453 to 458. This results in the insertion of an extra isoleucine and tryptophan residue between codons 152 and 153. Binding affinity and glycosylase activity assays showed this alteration caused a reduction in activity (Molatore S et al. Hum Mutat. 2010 Feb;31(2):159-66; D'Agostino VG et al. DNA Repair (Amst). 2010 Jun 4;9(6):700-7). Of note, this alteration is designated as 137insIW in published literature. This variant is considered to be rare based on population cohorts in the Genome Aggregation Database (gnomAD). Based on the supporting evidence, this alteration is interpreted as a disease-causing mutation.

Baylor Genetics
Classification: Pathogenic for Familial adenomatous polyposis 2. Last evaluated: 2022-04-17. Review status: criteria provided, single submitter. Criteria: ACMG Guidelines, 2015. Collection method: clinical testing. Allele origin: unknown.

Medical Genetics Laboratory, Umraniye Training and Research Hospital, University of Health Sciences
Classification: Likely pathogenic for Familial adenomatous polyposis 2. Last evaluated: 2021-08-07. Review status: no assertion criteria provided. Collection method: clinical testing. Allele origin: germline. Inheritance: Autosomal recessive inheritance. Affected: yes. Observed: 1 variant allele, 1 heterozygote. Not counted in ClinVar's aggregate classification.

Literature cited by the submitters: PubMed 12606733 (cited by 5 submitters); PubMed 16557584 (cited by 5 submitters); PubMed 26446593 (cited by 4 submitters); PubMed 19953527 (cited by 5 submitters); PubMed 20418187 (cited by 4 submitters); PubMed 16287072 (cited by 4 submitters); PubMed 14633673 (cited by Ambry Genetics).

NM_001048174.2(MUTYH):c.369_374dup (p.Trp124_Met125insIleTrp)

Gene: MUTYH (mutY DNA glycosylase; minus strand). Cytogenetic location: 1p34.1.
Variant type: Duplication.
Coding change: c.369_374dup on transcript NM_001048174.2 (MANE Select); coding-DNA positions 369 to 374, 6 bases duplicated (ATGGAT; older notation c.369_374dupATGGAT).
Protein change: p.Trp124_Met125insIleTrp.
Molecular consequence: inframe insertion. On other transcripts: non-coding transcript variant (1), intron variant (2).
Genome position (GRCh38, 1-based): chr1:45,333,101-45,333,106, ATCCAT duplicated on the plus strand (ATGGAT on the coding strand, the reverse complement: MUTYH is on the minus strand). VCF-style (leftmost placement, unchanged base first): chr1-45333100-C-CATCCAT. GRCh37 (hg19) VCF-style: chr1-45798772-C-CATCCAT.
Other names: c.453_458dupATGGAT (NM_001128425.1, NM_001128425.2); c.453_458dup, p.Trp152_Met153insIleTrp (NM_001128425.2); c.414_419dup, p.Trp139_Met140insIleTrp (NM_001293190.2); c.402_407dup, p.Trp135_Met136insIleTrp (NM_001293191.2); c.93_98dup, p.Trp32_Met33insIleTrp (NM_001293192.2, NM_001293196.2); c.369_374dup, p.Trp124_Met125insIleTrp (NM_001293195.2, NM_001048171.2, NM_001048173.2); c.444_449dup, p.Trp149_Met150insIleTrp (NM_012222.3); c.34-147_34-142dup (NM_001350651.2, NM_001350650.2); and 1 more.
Identifiers: ClinVar variation 233094 (VCV000233094.35), dbSNP rs876660190, ClinGen allele CA10577736.
Genomic context (GRCh38, chr1:45,333,100, plus strand): 5'-TAGAGGCTCTCATCTGGGGTCTGACCCATGACCCTTCCCTTCCTCCCCTGGAGTCACCTG[C>CATCCAT]ATCCATCCGGTATAGTAGTTGATCACAGTGGCAACCTGGGTCTGCTGCAGCATGACCTCT-3'